The following is an entry in ClinVar:

ClinVar aggregate classification (germline): Uncertain significance. Review status: criteria provided, multiple submitters, no conflicts (2 of 4 stars). 2 submissions from 2 submitters: Uncertain significance (2). Last evaluated 2024-03-21.

Conditions:
Familial cancer of breast. Also called: hereditary breast carcinoma; BREAST CANCER, FAMILIAL; Hereditary breast cancer. Identifiers: Orphanet 227535, MedGen C0346153, MONDO:0016419, OMIM 114480. Disease mechanism: loss of function.
Hereditary cancer-predisposing syndrome. Also called: Hereditary neoplastic syndrome; Neoplastic Syndromes, Hereditary; Tumor predisposition; Hereditary Cancer Syndrome. Identifiers: Orphanet 140162, MedGen C0027672, MeSH D009386, MONDO:0015356.

Allele frequency attached by ClinVar (database versions not stated): gnomAD 0.00001.
gnomAD v4.1: 1 of 1,614,086 alleles (0.000062%); no homozygotes.

Submissions (2):

Ambry Genetics
Classification: Uncertain significance for Hereditary cancer-predisposing syndrome. Last evaluated: 2024-03-21. Review status: criteria provided, single submitter. Criteria: Ambry Variant Classification Scheme 2023. Collection method: clinical testing. Allele origin: germline.
Comment: The p.K688M variant (also known as c.2063A>T), located in coding exon 11 of the BARD1 gene, results from an A to T substitution at nucleotide position 2063. The lysine at codon 688 is replaced by methionine, an amino acid with similar properties. This amino acid position is conserved. In addition, the in silico prediction for this alteration is inconclusive. Based on the available evidence, the clinical significance of this alteration remains unclear.

Labcorp Genetics (formerly Invitae), Labcorp
Classification: Uncertain significance for Familial cancer of breast. Last evaluated: 2020-11-14. Review status: criteria provided, single submitter. Criteria: Invitae Variant Classification Sherloc (09022015). Collection method: clinical testing. Allele origin: germline.
Comment: This sequence change replaces lysine with methionine at codon 688 of the BARD1 protein (p.Lys688Met). The lysine residue is highly conserved and there is a moderate physicochemical difference between lysine and methionine. This variant is not present in population databases (ExAC no frequency). This variant has not been reported in the literature in individuals with BARD1-related conditions. Algorithms developed to predict the effect of missense changes on protein structure and function (SIFT, PolyPhen-2, Align-GVGD) all suggest that this variant is likely to be disruptive, but these predictions have not been confirmed by published functional studies and their clinical significance is uncertain. In summary, the available evidence is currently insufficient to determine the role of this variant in disease. Therefore, it has been classified as a Variant of Uncertain Significance.

NM_000465.4(BARD1):c.2063A>T (p.Lys688Met)

Gene: BARD1 (BRCA1 associated RING domain 1; minus strand). Cytogenetic location: 2q35.
Variant type: single nucleotide variant.
Coding change: c.2063A>T on transcript NM_000465.4 (MANE Select); coding-DNA position 2063, A replaced by T.
Protein change: p.Lys688Met; replaces lysine 688 with methionine.
Molecular consequence: missense variant. On other transcripts: non-coding transcript variant (3).
Genome position (GRCh38, 1-based): chr2:214,728,947, T>A on the plus strand (A>T on the coding strand, the complement: BARD1 is on the minus strand). VCF-style: chr2-214728947-T-A. GRCh37 (hg19) VCF-style: chr2-215593671-T-A.
Other names: c.2006A>T, p.Lys669Met (NM_001282543.2); c.710A>T, p.Lys237Met (NM_001282545.2); c.653A>T, p.Lys218Met (NM_001282548.2); c.524A>T, p.Lys175Met (NM_001282549.2); c.2063A>T (NM_000465.2); short protein forms K688M, K175M, K218M, K237M, K669M.
Identifiers: ClinVar variation 942338 (VCV000942338.10), dbSNP rs1692224981, ClinGen allele CA350450694.
Genomic context (GRCh38, chr2:214,728,947, plus strand): 5'-TTGGGCTTTCTACTGAGGATCTGGCCCCCACCTGCAGTGACGAGCTTAATAAGGTTGTCC[T>A]TTGGATGGTGTTTGAAGGTTCCCCACAAATAGAAGTAGCATCCATCAAACAGCTTTGGCA-3'
Protein context (NP_000456.2, residues 678-698): YLWGTFKHHP[Lys688Met]DNLIKLVTAG